The following is an entry in ClinVar:

ClinVar aggregate classification (germline): Uncertain significance. Review status: criteria provided, multiple submitters, no conflicts (2 of 4 stars). 3 submissions from 3 submitters: Uncertain significance (3). Last evaluated 2025-08-29.

Conditions:
Peroxisome biogenesis disorder 2B (PBD2B). Identifiers: Orphanet 44, MedGen C3550234, MONDO:0008736, OMIM 202370.
PEX5-related disorder. Also called: PEX5-Related Disorders; PEX5-related condition.
Inborn genetic diseases. Identifiers: MedGen C0950123, MeSH D030342.

Allele frequency attached by ClinVar (database versions not stated): gnomAD exomes below 0.00001 and 0.00001; ExAC 0.00001; gnomAD 0.00001; TOPMed 0.00002; 1000 Genomes Project 30x 0.00031; 1000 Genomes Project 0.00040.

Submissions (3):

PreventionGenetics, part of Exact Sciences
Classification: Uncertain significance for PEX5-related condition. Last evaluated: 2025-08-29. Review status: criteria provided, single submitter. Criteria: ACMG Guidelines, 2015. Collection method: clinical testing. Allele origin: germline.
Comment: The PEX5 c.1553G>A variant is predicted to result in the amino acid substitution p.Arg518His. To our knowledge, this variant has not been reported in the literature. This variant is reported in 0.0062% of alleles in individuals of African descent in gnomAD. At this time, the clinical significance of this variant is uncertain due to the absence of conclusive functional and genetic evidence.

Ambry Genetics
Classification: Uncertain significance for Inborn genetic diseases. Last evaluated: 2024-10-21. Review status: criteria provided, single submitter. Criteria: Ambry Variant Classification Scheme 2023. Collection method: clinical testing. Allele origin: germline.

Labcorp Genetics (formerly Invitae), Labcorp
Classification: Uncertain significance for Peroxisome biogenesis disorder 2B. Last evaluated: 2022-07-19. Review status: criteria provided, single submitter. Criteria: Invitae Variant Classification Sherloc (09022015). Collection method: clinical testing. Allele origin: germline.
Comment: This sequence change replaces arginine, which is basic and polar, with histidine, which is basic and polar, at codon 518 of the PEX5 protein (p.Arg518His). This variant is present in population databases (rs146183061, gnomAD 0.007%). This variant has not been reported in the literature in individuals affected with PEX5-related conditions. ClinVar contains an entry for this variant (Variation ID: 1376025). Algorithms developed to predict the effect of missense changes on protein structure and function are either unavailable or do not agree on the potential impact of this missense change (SIFT: "Tolerated"; PolyPhen-2: "Possibly Damaging"; Align-GVGD: "Class C0"). In summary, the available evidence is currently insufficient to determine the role of this variant in disease. Therefore, it has been classified as a Variant of Uncertain Significance.

NM_001351132.2(PEX5):c.1553G>A (p.Arg518His)

Gene: PEX5 (peroxisomal biogenesis factor 5; plus strand). Cytogenetic location: 12p13.31.
Variant type: single nucleotide variant.
Coding change: c.1553G>A on transcript NM_001351132.2 (MANE Select); coding-DNA position 1553, G replaced by A.
Protein change: p.Arg518His; replaces arginine 518 with histidine.
Molecular consequence: missense variant.
Genome position (GRCh38, 1-based): chr12:7,209,163, G>A. VCF-style: chr12-7209163-G-A. GRCh37 (hg19) VCF-style: chr12-7361759-G-A.
Other names: c.1442G>A, p.Arg481His (NM_001351130.3, NM_001351137.3, NM_001374645.1 and 7 more transcripts); c.1553G>A, p.Arg518His (NM_001351131.2, NM_001351133.2, NM_001351134.2 and 4 more transcripts); c.1487G>A, p.Arg496His (NM_001351135.3, NM_001351138.2); c.1544G>A, p.Arg515His (NM_001351136.2); c.1418G>A, p.Arg473His (NM_001351139.2, NM_001351140.2, NM_001374649.2); c.1553G>A (NM_001131025.1); c.1529G>A, p.Arg510His (NM_000319.5); c.1598G>A, p.Arg533His (NM_001131023.2); short protein forms R473H, R481H, R510H, R518H, R496H, R515H, R533H.
Identifiers: ClinVar variation 1376025 (VCV001376025.7), dbSNP rs146183061, ClinGen allele CA6426486.